The following is an entry in ClinVar:

NM_177438.3(DICER1):c.4091G>A (p.Gly1364Glu)

Gene: DICER1 (dicer 1, ribonuclease III; minus strand). Cytogenetic location: 14q32.13.
Variant type: single nucleotide variant.
Coding change: c.4091G>A on transcript NM_177438.3 (MANE Select); coding-DNA position 4091, G replaced by A.
Protein change: p.Gly1364Glu; replaces glycine 1364 with glutamic acid.
Molecular consequence: missense variant. On other transcripts: non-coding transcript variant (6).
Genome position (GRCh38, 1-based): chr14:95,099,895, C>T on the plus strand (G>A on the coding strand, the complement: DICER1 is on the minus strand). VCF-style: chr14-95099895-C-T. GRCh37 (hg19) VCF-style: chr14-95566232-C-T.
Other names: c.4091G>A, p.Gly1364Glu (NM_001195573.1, NM_001271282.3, NM_001291628.2 and 13 more transcripts); c.3809G>A, p.Gly1270Glu (NM_001395686.1); c.3686G>A, p.Gly1229Glu (NM_001395687.1, NM_001395688.1, NM_001395689.1 and 2 more transcripts); c.3524G>A, p.Gly1175Glu (NM_001395691.1); c.2408G>A, p.Gly803Glu (NM_001395697.1); short protein forms G1364E, G1175E, G1270E, G803E, G1229E.
Identifiers: ClinVar variation 2566168 (VCV002566168.3), dbSNP rs1467554488, ClinGen allele CA390872174.

ClinVar aggregate classification (germline): Uncertain significance. Review status: criteria provided, multiple submitters, no conflicts (2 of 4 stars). 2 submissions from 2 submitters: Uncertain significance (2). Last evaluated 2024-12-19.

Conditions:
Hereditary cancer-predisposing syndrome. Also called: Neoplastic Syndromes, Hereditary; Hereditary Cancer Syndrome; Hereditary neoplastic syndrome; Tumor predisposition. Identifiers: Orphanet 140162, MedGen C0027672, MeSH D009386, MONDO:0015356.

Submissions (2):

Hereditary Cancer Group, L’Institut d'Investigació Biomèdica de Bellvitge
Classification: Uncertain significance for Hereditary cancer-predisposing syndrome. Last evaluated: 2024-12-19. Review status: criteria provided, single submitter. Criteria: Hatton et al. (Hum Mutat. 2023). Collection method: clinical testing. Allele origin: germline. Inheritance: Autosomal dominant inheritance. Affected: yes.
Comment: PM2_supporting

Ambry Genetics
Classification: Uncertain significance for Hereditary cancer-predisposing syndrome. Last evaluated: 2023-04-09. Review status: criteria provided, single submitter. Criteria: Ambry Variant Classification Scheme 2023. Collection method: clinical testing. Allele origin: germline.
Comment: The p.G1364E variant (also known as c.4091G>A), located in coding exon 21 of the DICER1 gene, results from a G to A substitution at nucleotide position 4091. The glycine at codon 1364 is replaced by glutamic acid, an amino acid with similar properties. This amino acid position is conserved. In addition, the in silico prediction for this alteration is inconclusive. Since supporting evidence is limited at this time, the clinical significance of this alteration remains unclear.